The following is an entry in ClinVar:

ClinVar aggregate classification (germline): Uncertain significance. Review status: criteria provided, multiple submitters, no conflicts (2 of 4 stars). 2 submissions from 2 submitters: Uncertain significance (2). Last evaluated 2024-05-09.

Allele frequency attached by ClinVar (database versions not stated): gnomAD exomes 0.00001; ExAC 0.00002; TOPMed 0.00002; gnomAD 0.00003.
gnomAD v4.1: 19 of 1,613,998 alleles (0.0012%); highest among the groups gnomAD compares: Middle Eastern, 0.016%; no homozygotes.

Submissions (2):

Labcorp Genetics (formerly Invitae), Labcorp
Classification: Uncertain significance. Last evaluated: 2024-05-09. Review status: criteria provided, single submitter. Criteria: Invitae Variant Classification Sherloc (09022015). Collection method: clinical testing. Allele origin: germline.
Comment: This sequence change replaces cysteine, which is neutral and slightly polar, with tyrosine, which is neutral and polar, at codon 1042 of the CCDC141 protein (p.Cys1042Tyr). This variant is present in population databases (rs762557906, gnomAD 0.006%). This variant has not been reported in the literature in individuals affected with CCDC141-related conditions. ClinVar contains an entry for this variant (Variation ID: 2539179). An algorithm developed to predict the effect of missense changes on protein structure and function (PolyPhen-2) suggests that this variant is likely to be disruptive. In summary, the available evidence is currently insufficient to determine the role of this variant in disease. Therefore, it has been classified as a Variant of Uncertain Significance.

Ambry Genetics
Classification: Uncertain significance. Last evaluated: 2023-04-28. Review status: criteria provided, single submitter. Criteria: Ambry Variant Classification Scheme 2023. Collection method: clinical testing. Allele origin: germline.

NM_173648.4(CCDC141):c.3125G>A (p.Cys1042Tyr)

Gene: CCDC141 (coiled-coil domain containing 141; minus strand). Cytogenetic location: 2q31.2.
Variant type: single nucleotide variant.
Coding change: c.3125G>A on transcript NM_173648.4 (MANE Select); coding-DNA position 3125, G replaced by A.
Protein change: p.Cys1042Tyr; replaces cysteine 1042 with tyrosine.
Molecular consequence: missense variant.
Genome position (GRCh38, 1-based): chr2:178,853,560, C>T on the plus strand (G>A on the coding strand, the complement: CCDC141 is on the minus strand). VCF-style: chr2-178853560-C-T. GRCh37 (hg19) VCF-style: chr2-179718287-C-T.
Other names: short protein forms C1042Y.
Identifiers: ClinVar variation 2539179 (VCV002539179.4), dbSNP rs762557906, ClinGen allele CA2006800.